The following is an entry in ClinVar:

ClinVar aggregate classification (germline): Conflicting classifications of pathogenicity. Review status: criteria provided, conflicting classifications (1 of 4 stars). 22 submissions from 18 submitters: Uncertain significance (6); Benign (8); Likely benign (7). 1 of the submissions does not count toward it. Last evaluated 2026-09-01.

Conditions:
Cardiovascular phenotype. Identifiers: MedGen CN230736.
Autosomal recessive limb-girdle muscular dystrophy type 2J (LGMDR10). Also called: MUSCULAR DYSTROPHY, LIMB-GIRDLE, AUTOSOMAL RECESSIVE 10; Limb-girdle muscular dystrophy, type 2J. Identifiers: Orphanet 140922, MedGen C1837342, MONDO:0012127, OMIM 608807.
Dilated cardiomyopathy 1G (CMD1G). Identifiers: Orphanet 154, MedGen C1858763, MONDO:0011400, OMIM 604145.
Primary ciliary dyskinesia. Also called: Ciliary dyskinesia. Identifiers: Orphanet 244, MedGen C0008780, MONDO:0016575, HP:0012265.
Cardiomyopathy (CMYO). Also called: Cardiomyopathies. Identifiers: Orphanet 167848, MedGen C0878544, MONDO:0004994, HP:0001638. Inheritance: Various modes of inheritance.
Myopathy, myofibrillar, 9, with early respiratory failure (MFM9). Also called: Myopathy, distal, with early respiratory failure, autosomal dominant; Hereditary myopathy with early respiratory failure; EDSTROM MYOPATHY; MYOPATHY, PROXIMAL, WITH EARLY RESPIRATORY MUSCLE INVOLVEMENT. Identifiers: Orphanet 178464, Orphanet 34521, MedGen C1863599, MONDO:0011362, OMIM 603689.
Early-onset myopathy with fatal cardiomyopathy (CMYO5). Also called: CONGENITAL MYOPATHY 5 WITH CARDIOMYOPATHY; Salih Myopathy. Identifiers: Orphanet 289377, MedGen C2673677, MONDO:0012714, OMIM 611705. Disease mechanism: loss of function.
Tibial muscular dystrophy (TMD). Also called: Tibial muscular dystrophy, tardive; Udd Distal Myopathy – Tibial Muscular Dystrophy; UDD MYOPATHY. Identifiers: Orphanet 609, MedGen C1838244, MONDO:0010870, OMIM 600334.

Allele frequency attached by ClinVar (database versions not stated): 1000 Genomes Project 30x 0.00047; gnomAD exomes 0.00122 and 0.00103; gnomAD 0.00094 and 0.00093; ESP Exome Variant Server 0.00124; 1000 Genomes Project 0.00040; TOPMed 0.00095; ExAC 0.00124.
gnomAD v4.1: 1,656 of 1,612,356 alleles (0.1%); highest among the groups gnomAD compares: Middle Eastern, 0.17%; 8 homozygotes.

Submissions (22):

CeGaT Center for Human Genetics Tuebingen
Classification: Benign. Last evaluated: 2026-09-01. Review status: criteria provided, single submitter. Criteria: CeGaT Center For Human Genetics Tuebingen Variant Classification Criteria Version 2. Collection method: clinical testing. Allele origin: germline. Affected: yes. Observed: 39 variant alleles.
Comment: TTN: BS1, BS2

Department of Human Genetics, Hannover Medical School
Classification: Uncertain significance for Primary Ciliary Dyskinesia. Last evaluated: 2026-04-01. Review status: criteria provided, single submitter. Criteria: ACMG Guidelines, 2015. Collection method: research. Allele origin: germline. Affected: no.
Comment: Classification performed by HerediClassify using the following criteria:['PM2_supporting: Variant occures does not occur as homozygous in gnomAD.', 'PP3_protein_moderate: Variant is predicted to be pathogenic by REVEL with evidence strength moderate.', "PP4_moderate: The PICADAR socre of 8.0 exceeds threshold of 8 achieving 'strong' evidence strength."]

Labcorp Genetics (formerly Invitae), Labcorp
Classification: Likely benign for Dilated cardiomyopathy 1G; Autosomal recessive limb-girdle muscular dystrophy type 2J. Last evaluated: 2026-02-02. Review status: criteria provided, single submitter. Criteria: Invitae Variant Classification Sherloc (09022015). Collection method: clinical testing. Allele origin: germline.

Molecular Diagnostic Laboratory for Inherited Cardiovascular Disease, Montreal Heart Institute
Classification: Likely benign. Last evaluated: 2025-04-09. Review status: criteria provided, single submitter. Criteria: ACMG Guidelines, 2015. Collection method: clinical testing. Allele origin: germline. Affected: no.

Blueprint Genetics
Classification: Likely benign. Last evaluated: 2024-11-18. Review status: criteria provided, single submitter. Criteria: ACMG Guidelines, 2015. Collection method: clinical testing. Allele origin: germline.

Women's Health and Genetics/Laboratory Corporation of America, LabCorp
Classification: Likely benign. Last evaluated: 2022-12-04. Review status: criteria provided, single submitter. Criteria: LabCorp Variant Classification Summary - May 2015. Collection method: clinical testing. Allele origin: germline.

GeneDx
Classification: Benign. Last evaluated: 2020-09-04. Review status: criteria provided, single submitter. Criteria: GeneDx Variant Classification Process June 2021. Collection method: clinical testing. Allele origin: germline. Affected: yes.
Comment: This variant is associated with the following publications: (PMID: 28144010, 27488758)

Dubai Health Genomic Medicine Center, Dubai Health
Classification: Likely benign. Last evaluated: 2019-12-12. Review status: criteria provided, single submitter. Criteria: ACMG Guidelines, 2015. Collection method: clinical testing. Allele origin: germline. Affected: yes.

CHEO Genetics Diagnostic Laboratory, Children's Hospital of Eastern Ontario
Classification: Benign for Cardiomyopathy. Last evaluated: 2019-06-24. Review status: criteria provided, single submitter. Criteria: ACMG Guidelines, 2015. Collection method: clinical testing. Allele origin: germline. Study: Canadian Open Genetics Repository.

Center for Advanced Laboratory Medicine, UC San Diego Health, University of California San Diego
Classification: Benign for Cardiomyopathy. Last evaluated: 2019-04-01. Review status: criteria provided, single submitter. Criteria: ACMG Guidelines, 2015. Collection method: clinical testing. Allele origin: germline. Affected: yes. Observed: 2 variant alleles.

Athena Diagnostics
Classification: Benign. Last evaluated: 2018-02-06. Review status: criteria provided, single submitter. Criteria: Athena Diagnostics Criteria. Collection method: clinical testing. Allele origin: germline.

Illumina Laboratory Services, Illumina
Classification: Uncertain significance for Early-onset myopathy with fatal cardiomyopathy. Last evaluated: 2017-05-08. Review status: criteria provided, single submitter. Criteria: ICSL Variant Classification Criteria 13 December 2019. Collection method: clinical testing. Allele origin: germline.

Illumina Laboratory Services, Illumina
Classification: Benign for Tibial muscular dystrophy. Last evaluated: 2017-05-08. Review status: criteria provided, single submitter. Criteria: ICSL Variant Classification Criteria 13 December 2019. Collection method: clinical testing. Allele origin: germline.
Comment: This variant was observed as part of a predisposition screen in an ostensibly healthy population. A literature search was performed for the gene, cDNA change, and amino acid change (where applicable). No publications were found based on this search. Allele frequency data from public databases was too high to be consistent with this variant causing disease. Therefore, this variant is classified as benign.

Illumina Laboratory Services, Illumina
Classification: Benign for Myopathy, myofibrillar, 9, with early respiratory failure. Last evaluated: 2017-05-08. Review status: criteria provided, single submitter. Criteria: ICSL Variant Classification Criteria 13 December 2019. Collection method: clinical testing. Allele origin: germline.
Comment: the same text as in the submission from Illumina Laboratory Services, Illumina above.

Illumina Laboratory Services, Illumina
Classification: Benign for Dilated cardiomyopathy 1G. Last evaluated: 2017-05-08. Review status: criteria provided, single submitter. Criteria: ICSL Variant Classification Criteria 13 December 2019. Collection method: clinical testing. Allele origin: germline.
Comment: This variant was observed as part of a predisposition screen in an ostensibly healthy population. A literature search was performed for the gene, cDNA change, and amino acid change (where applicable). Publications were found based on this search. The evidence from the literature, in combination with allele frequency data from public databases where available, was sufficient to rule this variant out of causing disease. Therefore, this variant is classified as benign.

Illumina Laboratory Services, Illumina
Classification: Uncertain significance for Autosomal recessive limb-girdle muscular dystrophy type 2J. Last evaluated: 2017-04-27. Review status: criteria provided, single submitter. Criteria: ICSL Variant Classification Criteria 13 December 2019. Collection method: clinical testing. Allele origin: germline.

Laboratory for Molecular Medicine, Mass General Brigham Personalized Medicine
Classification: Uncertain significance. Last evaluated: 2016-11-15. Review status: criteria provided, single submitter. Criteria: LMM Criteria. Collection method: clinical testing. Allele origin: germline. Observed: 7 variant alleles.
Comment: Variant classified as Uncertain Significance - Favor Benign. The p.Ile13750Thr v ariant in TTN has been identified by our laboratory in several individuals with various types of cardiomyopathy, did not segregate with disease in 1 relative wi th HCM, and has been identified in 0.2% (119/66356) of European chromosomes, inc luding 1 homozygote, by the Exome Aggregation Consortium (ExAC; dbSNP rs72677243). Computational prediction tools and conservati on analysis suggest that the p.Ile13750Thr variant may impact the protein, thoug h this information is not predictive enough to determine pathogenicity. In summa ry, while the clinical significance of the p.Ile13750Thr variant is uncertain, i ts frequency suggests that it is more likely to be benign.

Eurofins Ntd Llc (ga)
Classification: Uncertain significance. Last evaluated: 2015-07-10. Review status: criteria provided, single submitter. Criteria: EGL Classification Definitions 2015. Collection method: clinical testing. Allele origin: germline. Observed: 6 variant alleles, 6 heterozygotes.

Genetic Services Laboratory, University of Chicago
Classification: Likely benign. Last evaluated: 2015-03-09. Review status: criteria provided, single submitter. Criteria: ACMG Guidelines, 2015. Collection method: clinical testing. Allele origin: germline.

Biesecker Lab/Clinical Genomics Section, National Institutes of Health
Classification: Likely benign. Last evaluated: 2013-06-24. Review status: criteria provided, single submitter. Criteria: Ng et al. (Circ Cardiovasc Genet. 2013). Collection method: research. Allele origin: unknown. Observed: 6 variant alleles. Study: ClinSeq.
Comment: The study set was not selected for affection status in relation to any cancer. Pathogenicity categories were based on literature curation. See Pubmed ID:23861362 for details.

Medical sequencing

Ambry Genetics
Classification: Uncertain significance for Cardiovascular phenotype. Last evaluated: 2013-02-07. Review status: criteria provided, single submitter. Criteria: Ambry Autosomal Dominant and X-Linked criteria (10/2015). Collection method: clinical testing. Allele origin: germline. Observed: 1 variant allele.
Comment: There is insufficient or conflicting evidence for classification of this alteration.

Foundation for Research in Genetics and Endocrinology, FRIGE's Institute of Human Genetics
Classification: Uncertain significance for Tibial muscular dystrophy. Last evaluated: 2014-07-07. Review status: no assertion criteria provided. Collection method: clinical testing. Allele origin: germline. Inheritance: Autosomal dominant inheritance. Affected: yes. Observed: 1 variant allele, 1 heterozygote. Not counted in ClinVar's aggregate classification.
Comment: The observed variant c.22334T>C (p.I7445T) is reported in 1000 Genomes and ExAC databases with a minor allele frequency of 0.0004 and 0.0012 respectively. The in silico prediction of the above variant is disease causing by MutationTaster2, tolerated by SIFT and probably damaging by PolyPhen2.

Literature cited by the submitters: PubMed 26516846 (cited by Athena Diagnostics); PubMed 27066507 (cited by Illumina Laboratory Services, Illumina).

NM_001267550.2(TTN):c.48953T>C (p.Ile16318Thr)

Genes: TTN (titin; minus strand), TTN-AS1 (TTN antisense RNA 1; plus strand), LOC126806426 (BRD4-independent group 4 enhancer GRCh37_chr2:179478848-179480047; plus strand). Cytogenetic location: 2q31.2.
Variant type: single nucleotide variant.
Coding change: c.48953T>C on transcript NM_001267550.2 (MANE Select); coding-DNA position 48953, T replaced by C.
Protein change: p.Ile16318Thr; replaces isoleucine 16318 with threonine.
Molecular consequence: missense variant. On other transcripts: non-coding transcript variant (1).
Genome position (GRCh38, 1-based): chr2:178,614,561, A>G on the plus strand (T>C on the coding strand, the complement: TTN is on the minus strand). VCF-style: chr2-178614561-A-G. GRCh37 (hg19) VCF-style: chr2-179479288-A-G.
Other names: p.I13750T:ATT>ACT; c.44030T>C, p.Ile14677Thr (NM_001256850.1); c.41249T>C, p.Ile13750Thr (NM_133378.4); c.22334T>C, p.Ile7445Thr (NM_133437.4); c.21758T>C, p.Ile7253Thr (NM_003319.4); c.22133T>C, p.Ile7378Thr (NM_133432.3); short protein forms I16318T, I13750T, I14677T, I7445T, I7253T, I7378T.
Identifiers: ClinVar variation 47025 (VCV000047025.72), dbSNP rs72677243, ClinGen allele CA139797.
Genomic context (GRCh38, chr2:178,614,561, plus strand): 5'-CCACACACATTCACAGCCTCAATGATATATGTGCCAGTGTCACTTCTCTTACTATCAACA[A>G]TAGTCACTGTGGATTTCTTAGGGACATTTTCAATGGTAATTCTTTTGTCCTGCTTCAGAA-3'
Protein context (NP_001254479.2, residues 16308-16328): ENVPKKSTVT[Ile16318Thr]VDSKRSDTGT